The following is an entry in ClinVar:

NM_001378454.1(ALMS1):c.7675-64A>T

Gene: ALMS1 (ALMS1 centrosome and basal body associated protein; plus strand). Cytogenetic location: 2p13.1.
Variant type: single nucleotide variant.
Coding change: c.7675-64A>T on transcript NM_001378454.1 (MANE Select); 64 bases into the intron before coding-DNA position 7675, A replaced by T.
Molecular consequence: intron variant.
Genome position (GRCh38, 1-based): chr2:73,489,570, A>T. VCF-style: chr2-73489570-A-T. GRCh37 (hg19) VCF-style: chr2-73716697-A-T.
Other names: c.7675-64A>T (NM_015120.4); c.7678-64A>T (NM_015120.4).
Identifiers: ClinVar variation 677825 (VCV000677825.2), dbSNP rs77286979, ClinGen allele CA50377178.

ClinVar aggregate classification (germline): Likely benign. Review status: criteria provided, multiple submitters, no conflicts (2 of 4 stars). 2 submissions from 2 submitters: Likely benign (2). Last evaluated 2018-06-14.

Allele frequency attached by ClinVar (database versions not stated): gnomAD exomes 0.00103; gnomAD 0.01122 and 0.01211; 1000 Genomes Project 0.01238; TOPMed 0.01280; 1000 Genomes Project 30x 0.01343.
gnomAD v4.1: 3,244 of 1,587,202 alleles (0.2%); highest among the groups gnomAD compares: African/African-American, 3.7%; 58 homozygotes.

Submissions (2):

GeneDx
Classification: Likely benign. Last evaluated: 2018-06-14. Review status: criteria provided, single submitter. Criteria: GeneDx Variant Classification (06012015). Collection method: clinical testing. Allele origin: germline. Affected: yes.
Comment: This variant is considered likely benign or benign based on one or more of the following criteria: it is a conservative change, it occurs at a poorly conserved position in the protein, it is predicted to be benign by multiple in silico algorithms, and/or has population frequency not consistent with disease.

Breakthrough Genomics
Classification: Likely benign. Review status: criteria provided, single submitter. Criteria: ACMG Guidelines, 2015. Collection method: not provided. Allele origin: germline. Inheritance: Autosomal recessive inheritance. Affected: yes.